The following is an entry in ClinVar:

NM_003482.4(KMT2D):c.3509C>A (p.Pro1170His)

Genes: KMT2D (lysine methyltransferase 2D; minus strand), LOC126861520 (CDK7 strongly-dependent group 2 enhancer GRCh37_chr12:49442744-49443943; plus strand). Cytogenetic location: 12q13.12.
Variant type: single nucleotide variant.
Coding change: c.3509C>A on transcript NM_003482.4 (MANE Select); coding-DNA position 3509, C replaced by A.
Protein change: p.Pro1170His; replaces proline 1170 with histidine.
Molecular consequence: missense variant.
Genome position (GRCh38, 1-based): chr12:49,050,079, G>T on the plus strand (C>A on the coding strand, the complement: KMT2D is on the minus strand). VCF-style: chr12-49050079-G-T. GRCh37 (hg19) VCF-style: chr12-49443862-G-T.
Other names: short protein forms P1170H.
Identifiers: ClinVar variation 4778828 (VCV004778828.1).
Genomic context (GRCh38, chr12:49,050,079, plus strand): 5'-GCACGTGGCTCTTCCTGTTCTTCACATGGTGAGCCCTGCCCTGCTGTCTGCTTGCATTCG[G>T]GGTAGACCTCCATAGGGGTCACAGGGGCCAGCTCCTCGGGGTCCAGGAGCACAGGGGAGC-3'
Protein context (NP_003473.3, residues 1160-1180): LAPVTPMEVY[Pro1170His]ECKQTAGQGS

ClinVar aggregate classification (germline): Uncertain significance (1 of 4 stars; one submission).

Conditions:
Kabuki syndrome. Also called: Kabuki make-up syndrome; NIIKAWA-KUROKI SYNDROME. Identifiers: Orphanet 2322, MedGen C0796004, MONDO:0016512.

gnomAD v4.1: 2 of 1,613,630 alleles (0.00012%); highest among the groups gnomAD compares: Non-Finnish European, 0.00017%; no homozygotes.

Submission:

Labcorp Genetics (formerly Invitae), Labcorp
Classification: Uncertain significance for Kabuki syndrome. Last evaluated: 2025-04-10. Review status: criteria provided, single submitter. Criteria: Invitae Variant Classification Sherloc (09022015). Collection method: clinical testing. Allele origin: germline.
Comment: This sequence change replaces proline, which is neutral and non-polar, with histidine, which is basic and polar, at codon 1170 of the KMT2D protein (p.Pro1170His). This variant is not present in population databases (gnomAD no frequency). This variant has not been reported in the literature in individuals affected with KMT2D-related conditions. Invitae Evidence Modeling of protein sequence and biophysical properties (such as structural, functional, and spatial information, amino acid conservation, physicochemical variation, residue mobility, and thermodynamic stability) indicates that this missense variant is not expected to disrupt KMT2D protein function with a negative predictive value of 95%. In summary, the available evidence is currently insufficient to determine the role of this variant in disease. Therefore, it has been classified as a Variant of Uncertain Significance.